The following is an entry in ClinVar:

ClinVar aggregate classification (germline): Uncertain significance. Review status: criteria provided, multiple submitters, no conflicts (2 of 4 stars). 3 submissions from 3 submitters: Uncertain significance (3). Last evaluated 2025-12-23.

Conditions:
Cardiovascular phenotype. Identifiers: MedGen CN230736.

Allele frequency attached by ClinVar (database versions not stated): gnomAD 0.00001; TOPMed 0.00003.
gnomAD v4.1: 47 of 1,613,162 alleles (0.0029%); highest among the groups gnomAD compares: Non-Finnish European, 0.0035%; no homozygotes.

Submissions (3):

Women's Health and Genetics/Laboratory Corporation of America, LabCorp
Classification: Uncertain significance. Last evaluated: 2025-12-23. Review status: criteria provided, single submitter. Criteria: LabCorp Variant Classification Summary - May 2015. Collection method: clinical testing. Allele origin: germline.
Comment: Variant summary: TNXB c.8317A>T (p.Arg2773Trp) results in a non-conservative amino acid change in the encoded protein sequence. Algorithms developed to predict the effect of missense changes on protein structure and function are either unavailable or do not agree on the potential impact of this missense change. The variant allele was found at a frequency of 1.2e-05 in 246424 control chromosomes. The available data on variant occurrences in the general population are insufficient to allow any conclusion about variant significance. To our knowledge, no occurrence of c.8317A>T in individuals affected with TNXB-related conditions and no experimental evidence demonstrating its impact on protein function have been reported. ClinVar contains an entry for this variant (Variation ID: 1219440). Based on the evidence outlined above, the variant was classified as uncertain significance.

Ambry Genetics
Classification: Uncertain significance for Cardiovascular phenotype. Last evaluated: 2025-06-05. Review status: criteria provided, single submitter. Criteria: Ambry Variant Classification Scheme 2023. Collection method: clinical testing. Allele origin: germline.
Comment: The p.R2773W variant (also known as c.8317A>T), located in coding exon 23 of the TNXB gene, results from an A to T substitution at nucleotide position 8317. The arginine at codon 2773 is replaced by tryptophan, an amino acid with dissimilar properties. This amino acid position is not well conserved in available vertebrate species. In addition, this alteration is predicted to be tolerated by in silico analysis. Based on the available evidence, the clinical significance of this variant remains unclear.

GeneDx
Classification: Uncertain significance. Last evaluated: 2023-10-26. Review status: criteria provided, single submitter. Criteria: GeneDx Variant Classification Process June 2021. Collection method: clinical testing. Allele origin: germline. Affected: yes.
Comment: Has not been previously published as pathogenic or benign to our knowledge; Not observed at significant frequency in large population cohorts (gnomAD); In silico analysis supports that this missense variant has a deleterious effect on protein structure/function

NM_001365276.2(TNXB):c.8317A>T (p.Arg2773Trp)

Gene: TNXB (tenascin XB; minus strand). Cytogenetic location: 6p21.33.
Variant type: single nucleotide variant.
Coding change: c.8317A>T on transcript NM_001365276.2 (MANE Select); coding-DNA position 8317, A replaced by T.
Protein change: p.Arg2773Trp; replaces arginine 2773 with tryptophan.
Molecular consequence: missense variant.
Genome position (GRCh38, 1-based): chr6:32,056,001, T>A on the plus strand (A>T on the coding strand, the complement: TNXB is on the minus strand). VCF-style: chr6-32056001-T-A. GRCh37 (hg19) VCF-style: chr6-32023778-T-A.
Other names: c.8317A>T, p.Arg2773Trp (NM_019105.8); short protein forms R2773W.
Identifiers: ClinVar variation 1219440 (VCV001219440.8), dbSNP rs572852092, ClinGen allele CA3733889.